The following is an entry in ClinVar:

NM_004006.3(DMD):c.6913-4186G>A

Gene: DMD (dystrophin; minus strand). Cytogenetic location: Xp21.1.
Variant type: single nucleotide variant.
Coding change: c.6913-4186G>A on transcript NM_004006.3 (MANE Select); 4186 bases into the intron before coding-DNA position 6913, G replaced by A.
Molecular consequence: intron variant.
Genome position (GRCh38, 1-based): chrX:31,879,559, C>T on the plus strand (G>A on the coding strand, the complement: DMD is on the minus strand). VCF-style: chrX-31879559-C-T. GRCh37 (hg19) VCF-style: chrX-31897676-C-T.
Other names: c.6889-4186G>A (NM_000109.4); c.2890-4186G>A (NM_004011.4); c.2881-4186G>A (NM_004012.4); c.-468-4186G>A (NM_004023.3, NM_004020.4, NM_004022.3 and 2 more transcripts); c.6901-4186G>A (NM_004009.3); c.6544-4186G>A (NM_004010.3).
Identifiers: ClinVar variation 674068 (VCV000674068.1), dbSNP rs112545515, ClinGen allele CA328483457.

ClinVar aggregate classification (germline): Benign (1 of 4 stars; one submission).

Allele frequency attached by ClinVar (database versions not stated): gnomAD 0.07679 and 0.07863; 1000 Genomes Project 0.09060; TOPMed 0.09170; 1000 Genomes Project 30x 0.09199.
gnomAD v4.1: 8,783 of 111,842 alleles (7.9%); highest among the groups gnomAD compares: Admixed American, 22%; 384 homozygotes.

Submission:

GeneDx
Classification: Benign. Last evaluated: 2018-06-14. Review status: criteria provided, single submitter. Criteria: GeneDx Variant Classification (06012015). Collection method: clinical testing. Allele origin: germline. Affected: yes.
Comment: This variant is considered likely benign or benign based on one or more of the following criteria: it is a conservative change, it occurs at a poorly conserved position in the protein, it is predicted to be benign by multiple in silico algorithms, and/or has population frequency not consistent with disease.